The following is an entry in ClinVar:

NM_032237.5(POMK):c.545C>T (p.Ala182Val)

Gene: POMK (protein O-mannose kinase; plus strand). Cytogenetic location: 8p11.21.
Variant type: single nucleotide variant.
Coding change: c.545C>T on transcript NM_032237.5 (MANE Select); coding-DNA position 545, C replaced by T.
Protein change: p.Ala182Val; replaces alanine 182 with valine.
Molecular consequence: missense variant.
Genome position (GRCh38, 1-based): chr8:43,122,369, C>T. VCF-style: chr8-43122369-C-T. GRCh37 (hg19) VCF-style: chr8-42977512-C-T.
Other names: c.545C>T, p.Ala182Val (NM_001277971.2); short protein forms A182V.
Identifiers: ClinVar variation 1009080 (VCV001009080.1), dbSNP rs1811935914, ClinGen allele CA371122143.
Genomic context (GRCh38, chr8:43,122,369, plus strand): 5'-AAACACTAAACCTTTCAAAGTACCAAAATGTGAACACGTGGCAGCACAGGCTGGAGCTGG[C>T]CATGGACTATGTCAGCATCATTAATTACCTGCACCACAGCCCTGTGGGCACACGGGTCAT-3'
Protein context (NP_115613.1, residues 172-192): VNTWQHRLEL[Ala182Val]MDYVSIINYL

ClinVar aggregate classification (germline): Uncertain significance (1 of 4 stars; one submission).

Conditions:
Limb-girdle muscular dystrophy due to POMK deficiency. Also called: MUSCULAR DYSTROPHY-DYSTROGLYCANOPATHY, LIMB-GIRDLE, POMK-RELATED; Muscular dystrophy-dystroglycanopathy (limb-girdle), type c, 12. Identifiers: Orphanet 445110, MedGen C4015184, MONDO:0014489, OMIM 616094.
Muscular dystrophy-dystroglycanopathy (congenital with brain and eye anomalies), type a, 12 (MDDGA12). Also called: WALKER-WARBURG SYNDROME OR MUSCLE-EYE-BRAIN DISEASE, POMK-RELATED. Identifiers: Orphanet 899, MedGen C3808964, MONDO:0014101, OMIM 615249.

Allele frequency attached by ClinVar (database versions not stated): gnomAD exomes below 0.00001.
gnomAD v4.1: 2 of 1,614,192 alleles (0.00012%); highest among the groups gnomAD compares: Non-Finnish European, 0.00017%; no homozygotes.

Submission:

Labcorp Genetics (formerly Invitae), Labcorp
Classification: Uncertain significance for Muscular dystrophy-dystroglycanopathy (congenital with brain and eye anomalies), type a, 12; Limb-girdle muscular dystrophy due to POMK deficiency. Last evaluated: 2020-02-21. Review status: criteria provided, single submitter. Criteria: Invitae Variant Classification Sherloc (09022015). Collection method: clinical testing. Allele origin: germline.
Comment: This sequence change replaces alanine with valine at codon 182 of the POMK protein (p.Ala182Val). The alanine residue is highly conserved and there is a small physicochemical difference between alanine and valine. This variant is not present in population databases (ExAC no frequency). This variant has not been reported in the literature in individuals with POMK-related conditions. Algorithms developed to predict the effect of missense changes on protein structure and function (SIFT, PolyPhen-2, Align-GVGD) all suggest that this variant is likely to be disruptive, but these predictions have not been confirmed by published functional studies and their clinical significance is uncertain. In summary, the available evidence is currently insufficient to determine the role of this variant in disease. Therefore, it has been classified as a Variant of Uncertain Significance.